The following is an entry in ClinVar:

ClinVar aggregate classification (germline): Uncertain significance. Review status: criteria provided, multiple submitters, no conflicts (2 of 4 stars). 3 submissions from 3 submitters: Uncertain significance (3). Last evaluated 2025-05-25.

Conditions:
Hereditary cancer-predisposing syndrome. Also called: Neoplastic Syndromes, Hereditary; Hereditary Cancer Syndrome; Tumor predisposition; Hereditary neoplastic syndrome. Identifiers: Orphanet 140162, MedGen C0027672, MeSH D009386, MONDO:0015356.
Familial cancer of breast. Also called: Hereditary breast cancer; BREAST CANCER, FAMILIAL; hereditary breast carcinoma. Identifiers: Orphanet 227535, MedGen C0346153, MONDO:0016419, OMIM 114480. Disease mechanism: loss of function.

Allele frequency attached by ClinVar (database versions not stated): gnomAD exomes below 0.00001.
gnomAD v4.1: 1 of 1,614,128 alleles (0.000062%); highest among the groups gnomAD compares: Non-Finnish European, 0.000085%; no homozygotes.

Submissions (3):

Ambry Genetics
Classification: Uncertain significance for Hereditary cancer-predisposing syndrome. Last evaluated: 2025-05-25. Review status: criteria provided, single submitter. Criteria: Ambry Variant Classification Scheme 2023. Collection method: clinical testing. Allele origin: germline.
Comment: The p.S220N variant (also known as c.659G>A), located in coding exon 4 of the PALB2 gene, results from a G to A substitution at nucleotide position 659. The serine at codon 220 is replaced by asparagine, an amino acid with highly similar properties. This amino acid position is conserved. In addition, this alteration is predicted to be tolerated by in silico analysis. Since supporting evidence is limited at this time, the clinical significance of this alteration remains unclear.

MGZ Medical Genetics Center
Classification: Uncertain significance for Familial cancer of breast. Last evaluated: 2022-08-25. Review status: criteria provided, single submitter. Criteria: ACMG Guidelines, 2015. Collection method: clinical testing. Allele origin: germline. Affected: yes. Observed: 1 variant allele.
Comment: ACMG criteria applied: PM2_SUP, BP4

Labcorp Genetics (formerly Invitae), Labcorp
Classification: Uncertain significance for Familial cancer of breast. Last evaluated: 2021-10-30. Review status: criteria provided, single submitter. Criteria: Invitae Variant Classification Sherloc (09022015). Collection method: clinical testing. Allele origin: germline.
Comment: In summary, the available evidence is currently insufficient to determine the role of this variant in disease. Therefore, it has been classified as a Variant of Uncertain Significance. Algorithms developed to predict the effect of missense changes on protein structure and function output the following: SIFT: "Tolerated"; PolyPhen-2: "Benign"; Align-GVGD: "Class C0". The asparagine amino acid residue is found in multiple mammalian species, which suggests that this missense change does not adversely affect protein function. This variant has not been reported in the literature in individuals affected with PALB2-related conditions. This variant is not present in population databases (gnomAD no frequency). This sequence change replaces serine, which is neutral and polar, with asparagine, which is neutral and polar, at codon 220 of the PALB2 protein (p.Ser220Asn).

NM_024675.4(PALB2):c.659G>A (p.Ser220Asn)

Gene: PALB2 (partner and localizer of BRCA2; minus strand). Cytogenetic location: 16p12.2.
Variant type: single nucleotide variant.
Coding change: c.659G>A on transcript NM_024675.4 (MANE Select); coding-DNA position 659, G replaced by A.
Protein change: p.Ser220Asn; replaces serine 220 with asparagine.
Molecular consequence: missense variant.
Genome position (GRCh38, 1-based): chr16:23,635,887, C>T on the plus strand (G>A on the coding strand, the complement: PALB2 is on the minus strand). VCF-style: chr16-23635887-C-T. GRCh37 (hg19) VCF-style: chr16-23647208-C-T.
Other names: c.659G>A (NM_024675.3); short protein forms S220N.
Identifiers: ClinVar variation 1377104 (VCV001377104.12), dbSNP rs2142438106, ClinGen allele CA395136467.